The following is an entry in ClinVar:

ClinVar aggregate classification (germline): Uncertain significance (1 of 4 stars; one submission).

Submission:

Labcorp Genetics (formerly Invitae), Labcorp
Classification: Uncertain significance. Last evaluated: 2024-12-02. Review status: criteria provided, single submitter. Criteria: Invitae Variant Classification Sherloc (09022015). Collection method: clinical testing. Allele origin: germline.
Comment: This sequence change replaces arginine, which is basic and polar, with leucine, which is neutral and non-polar, at codon 228 of the CDT1 protein (p.Arg228Leu). This variant is not present in population databases (gnomAD no frequency). This variant has not been reported in the literature in individuals affected with CDT1-related conditions. ClinVar contains an entry for this variant (Variation ID: 2047434). An algorithm developed to predict the effect of missense changes on protein structure and function (PolyPhen-2) suggests that this variant is likely to be disruptive. In summary, the available evidence is currently insufficient to determine the role of this variant in disease. Therefore, it has been classified as a Variant of Uncertain Significance.

NM_030928.4(CDT1):c.683G>T (p.Arg228Leu)

Gene: CDT1 (chromatin licensing and DNA replication factor 1; plus strand). Cytogenetic location: 16q24.3.
Variant type: single nucleotide variant.
Coding change: c.683G>T on transcript NM_030928.4 (MANE Select); coding-DNA position 683, G replaced by T.
Protein change: p.Arg228Leu; replaces arginine 228 with leucine.
Molecular consequence: missense variant.
Genome position (GRCh38, 1-based): chr16:88,805,634, G>T. VCF-style: chr16-88805634-G-T. GRCh37 (hg19) VCF-style: chr16-88872042-G-T.
Other names: short protein forms R228L.
Identifiers: ClinVar variation 2047434 (VCV002047434.4), dbSNP rs750025399, ClinGen allele CA397076262.
Genomic context (GRCh38, chr16:88,805,634, plus strand): 5'-ACAACCGCTCCGAGACGCCCACCTTTGCCAAGGTCCAGCGGGGCGTCCAGGACATGATGC[G>T]TAGGTGAGTGGCCGGGGGTGGGCTGTGGCTGTCCTGGAGTTGGGGGTGGGCCCGGGCCTG-3'
Protein context (NP_112190.2, residues 218-238): KVQRGVQDMM[Arg228Leu]RRFEECNVGQ